The following is an entry in ClinVar:

NM_000179.3(MSH6):c.2204_2210del (p.Leu735fs)

Gene: MSH6 (mutS homolog 6; plus strand). Cytogenetic location: 2p16.3.
Variant type: Deletion.
Coding change: c.2204_2210del on transcript NM_000179.3 (MANE Select); coding-DNA positions 2204 to 2210, 7 bases deleted (TAGATGC; older notation c.2204_2210delTAGATGC).
Protein change: p.Leu735fs; shifts the reading frame from leucine 735.
Molecular consequence: frameshift variant.
Genome position (GRCh38, 1-based): chr2:47,800,187-47,800,193, TAGATGC deleted; deleting any 7 consecutive bases within chr2:47,800,184-47,800,193 gives the same sequence; the c. name uses the placement nearest the transcript's 3' end. VCF-style (leftmost placement, unchanged base first): chr2-47800183-GTGCTAGA-G. GRCh37 (hg19) VCF-style: chr2-48027322-GTGCTAGA-G.
Other names: c.1814_1820del, p.Leu605fs (NM_001281492.2); c.1298_1304del, p.Leu433fs (NM_001281493.2, NM_001281494.2); short protein forms L433fs, L605fs, L735fs.
Identifiers: ClinVar variation 820879 (VCV000820879.6), dbSNP rs1572726178, ClinGen allele CA915943928.

ClinVar aggregate classification (germline): Pathogenic. Review status: criteria provided, multiple submitters, no conflicts (2 of 4 stars). 2 submissions from 2 submitters: Pathogenic (2). Last evaluated 2025-05-13.

Conditions:
Hereditary cancer-predisposing syndrome. Also called: Neoplastic Syndromes, Hereditary; Tumor predisposition; Hereditary Cancer Syndrome; Hereditary neoplastic syndrome. Identifiers: Orphanet 140162, MedGen C0027672, MeSH D009386, MONDO:0015356.
Lynch syndrome 5 (LYNCH5). Also called: Colorectal cancer, hereditary nonpolyposis, type 5; Hereditary non-polyposis colorectal cancer, type 5. Identifiers: Orphanet 144, MedGen C1833477, MONDO:0013710, OMIM 614350. Disease mechanism: loss of function.

Submissions (2):

Molecular Pathology, Peter Maccallum Cancer Centre
Classification: Pathogenic for Lynch syndrome 5. Last evaluated: 2025-05-13. Review status: criteria provided, single submitter. Criteria: ACMG Guidelines, 2015. Collection method: clinical testing. Allele origin: germline. Inheritance: Autosomal dominant inheritance.

Ambry Genetics
Classification: Pathogenic for Hereditary cancer-predisposing syndrome. Last evaluated: 2025-03-11. Review status: criteria provided, single submitter. Criteria: Ambry Variant Classification Scheme 2023. Collection method: clinical testing. Allele origin: germline.
Comment: The c.2204_2210delTAGATGC pathogenic mutation, located in coding exon 4 of the MSH6 gene, results from a deletion of 7 nucleotides at nucleotide positions 2204 to 2210, causing a translational frameshift with a predicted alternate stop codon (p.L735Qfs*2). This alteration is expected to result in loss of function by premature protein truncation or nonsense-mediated mRNA decay. As such, this alteration is interpreted as a disease-causing mutation.